The following is an entry in ClinVar:

NM_030667.3(PTPRO):c.561T>C (p.Tyr187=)

Gene: PTPRO (protein tyrosine phosphatase receptor type O; plus strand). Cytogenetic location: 12p12.3.
Variant type: single nucleotide variant.
Coding change: c.561T>C on transcript NM_030667.3 (MANE Select); coding-DNA position 561, T replaced by C.
Protein change: p.Tyr187=; no amino-acid change (tyrosine 187 retained).
Molecular consequence: synonymous variant.
Genome position (GRCh38, 1-based): chr12:15,499,494, T>C. VCF-style: chr12-15499494-T-C. GRCh37 (hg19) VCF-style: chr12-15652428-T-C.
Other names: c.561T>C, p.Tyr187= (NM_002848.4); c.561T>C (NM_030667.2).
Identifiers: ClinVar variation 2052680 (VCV002052680.6), dbSNP rs142585226, ClinGen allele CA6466316.

ClinVar aggregate classification (germline): Likely benign. Review status: criteria provided, single submitter (1 of 4 stars). 2 submissions from 2 submitters: Likely benign (1). 1 of the submissions does not count toward it. Last evaluated 2023-10-26.

Conditions:
PTPRO-related disorder. Also called: PTPRO-related condition.

Allele frequency attached by ClinVar (database versions not stated): ExAC 0.00016; ESP Exome Variant Server 0.00015; gnomAD 0.00017; TOPMed 0.00022.
gnomAD v4.1: 662 of 1,613,480 alleles (0.041%); highest among the groups gnomAD compares: Non-Finnish European, 0.053%; 1 homozygote.

Submissions (2):

Labcorp Genetics (formerly Invitae), Labcorp
Classification: Likely benign. Last evaluated: 2023-10-26. Review status: criteria provided, single submitter. Criteria: Invitae Variant Classification Sherloc (09022015). Collection method: clinical testing. Allele origin: germline.

PreventionGenetics, part of Exact Sciences
Classification: Likely benign for PTPRO-related condition. Last evaluated: 2022-03-31. Review status: no assertion criteria provided. Collection method: clinical testing. Allele origin: germline. Not counted in ClinVar's aggregate classification.
Comment: This variant is classified as likely benign based on ACMG/AMP sequence variant interpretation guidelines (Richards et al. 2015 PMID: 25741868, with internal and published modifications).